The following is an entry in ClinVar:

ClinVar aggregate classification (germline): Likely pathogenic. Review status: criteria provided, multiple submitters, no conflicts (2 of 4 stars). 3 submissions from 3 submitters: Likely pathogenic (2). 1 of the submissions does not count toward it. Last evaluated 2022-12-28.

Conditions:
TH-deficient dopa-responsive dystonia. Also called: DYT-TH; Tyrosine Hydroxylase-Deficient Dopa-Responsive Dystonia; Segawa syndrome, autosomal recessive. Identifiers: Orphanet 101150, MedGen C2673535, MONDO:0011551, OMIM 605407.

Submissions (3):

Women's Health and Genetics/Laboratory Corporation of America, LabCorp
Classification: Likely pathogenic for TH-deficient dopa-responsive dystonia. Last evaluated: 2022-12-28. Review status: criteria provided, single submitter. Criteria: LabCorp Variant Classification Summary - May 2015. Collection method: clinical testing. Allele origin: germline.
Comment: Variant summary: TH c.1293+2T>C is located in a canonical splice-site and is predicted to affect mRNA splicing resulting in a significantly altered protein due to either exon skipping, shortening, or inclusion of intronic material. Several computational tools predict a significant impact on normal splicing: Four predict the variant abolishes a canonical 5' splicing donor site. However, these predictions have yet to be confirmed by functional studies. The variant was absent in 248932 control chromosomes (gnomAD). To our knowledge, no occurrence of c.1293+2T>C in individuals affected with Segawa Syndrome, Autosomal Recessive and no experimental evidence demonstrating its impact on protein function have been reported. Two submitters have provided clinical-significance assessments for this variant to ClinVar after 2014, and both laboratories classified the variant as likely pathogenic. Based on the evidence outlined above, the variant was classified as likely pathogenic.

Labcorp Genetics (formerly Invitae), Labcorp
Classification: Likely pathogenic for TH-deficient dopa-responsive dystonia. Last evaluated: 2020-04-07. Review status: criteria provided, single submitter. Criteria: Invitae Variant Classification Sherloc (09022015). Collection method: clinical testing. Allele origin: germline.
Comment: In summary, the currently available evidence indicates that the variant is pathogenic, but additional data are needed to prove that conclusively. Therefore, this variant has been classified as Likely Pathogenic. This sequence change affects a donor splice site in intron 12 of the TH gene. It is expected to disrupt RNA splicing and likely results in an absent or disrupted protein product. This variant is not present in population databases (ExAC no frequency). This variant has not been reported in the literature in individuals with TH-related conditions. Algorithms developed to predict the effect of sequence changes on RNA splicing suggest that this variant may disrupt the consensus splice site, but this prediction has not been confirmed by published transcriptional studies. Donor and acceptor splice site variants typically lead to a loss of protein function (PMID: 16199547), and loss-of-function variants in TH are known to be pathogenic (PMID: 22264700, 24753243).

Natera, Inc.
Classification: Likely pathogenic for Autosomal recessive Segawa syndrome. Last evaluated: 2020-06-30. Review status: no assertion criteria provided. Collection method: clinical testing. Allele origin: germline. Not counted in ClinVar's aggregate classification.

Literature cited by the submitters: PubMed 16199547 (cited by Labcorp Genetics (formerly Invitae), Labcorp); PubMed 22264700 (cited by Labcorp Genetics (formerly Invitae), Labcorp); PubMed 24753243 (cited by Labcorp Genetics (formerly Invitae), Labcorp).

NM_000360.4(TH):c.1200+2T>C

Gene: TH (tyrosine hydroxylase; minus strand). Cytogenetic location: 11p15.5.
Variant type: single nucleotide variant.
Coding change: c.1200+2T>C on transcript NM_000360.4 (MANE Select); the canonical splice donor site of the intron after coding-DNA position 1200, T replaced by C.
Molecular consequence: splice donor variant.
Genome position (GRCh38, 1-based): chr11:2,165,666, A>G on the plus strand (T>C on the coding strand, the complement: TH is on the minus strand). VCF-style: chr11-2165666-A-G. GRCh37 (hg19) VCF-style: chr11-2186896-A-G.
Other names: c.1281+2T>C (NM_199293.3); c.1293+2T>C (NM_199292.3, NM_199292.2).
Identifiers: ClinVar variation 1067062 (VCV001067062.12), dbSNP rs2133690169, ClinGen allele CA379125573.